The following is an entry in ClinVar:

NC_000017.11:g.50194829del

Gene: COL1A1 (collagen type I alpha 1 chain; minus strand). Cytogenetic location: 17q21.33.
Variant type: Deletion.
Genome position: GRCh38 VCF-style: chr17-50194826-GC-G. GRCh37 (hg19) VCF-style: chr17-48272187-GC-G.
Identifiers: ClinVar variation 1452540 (VCV001452540.7), dbSNP rs1165573890, ClinGen allele CA626689493.

ClinVar aggregate classification (germline): Pathogenic (1 of 4 stars; one submission).

Conditions:
Osteogenesis imperfecta type I (OI1). Also called: Lobstein disease; OI, TYPE I; OSTEOGENESIS IMPERFECTA TARDA; OSTEOGENESIS IMPERFECTA WITH BLUE SCLERAE; Lobstein's Disease; Classic Non-deforming Osteogenesis Imperfecta with Blue Sclerae. Identifiers: Orphanet 216796, Orphanet 666, MedGen C0023931, MONDO:0008146, OMIM 166200. Disease mechanism: loss of function.

Submission:

Labcorp Genetics (formerly Invitae), Labcorp
Classification: Pathogenic for Osteogenesis imperfecta type I. Last evaluated: 2022-06-27. Review status: criteria provided, single submitter. Criteria: Invitae Variant Classification Sherloc (09022015). Collection method: clinical testing. Allele origin: germline.
Comment: For these reasons, this variant has been classified as Pathogenic. This variant has not been reported in the literature in individuals affected with COL1A1-related conditions. This variant is not present in population databases (gnomAD no frequency). This sequence change creates a premature translational stop signal (p.Gly452Alafs*89) in the COL1A1 gene. It is expected to result in an absent or disrupted protein product. Loss-of-function variants in COL1A1 are known to be pathogenic (PMID: 7942841, 9295084, 9443882).

Literature cited by the submitters: PubMed 7942841; PubMed 9295084; PubMed 9443882.